The following is an entry in ClinVar:

NM_058216.3(RAD51C):c.868A>T (p.Ile290Phe)

Gene: RAD51C (RAD51 paralog C; plus strand). Cytogenetic location: 17q22.
Variant type: single nucleotide variant.
Coding change: c.868A>T on transcript NM_058216.3 (MANE Select); coding-DNA position 868, A replaced by T.
Protein change: p.Ile290Phe; replaces isoleucine 290 with phenylalanine.
Molecular consequence: missense variant. On other transcripts: non-coding transcript variant (1).
Genome position (GRCh38, 1-based): chr17:58,720,776, A>T. VCF-style: chr17-58720776-A-T. GRCh37 (hg19) VCF-style: chr17-56798137-A-T.
Other names: short protein forms I290F.
Identifiers: ClinVar variation 924832 (VCV000924832.13), dbSNP rs2048891385, ClinGen allele CA400359532.

ClinVar aggregate classification (germline): Uncertain significance. Review status: criteria provided, multiple submitters, no conflicts (2 of 4 stars). 2 submissions from 2 submitters: Uncertain significance (2). Last evaluated 2024-03-06.

Conditions:
Hereditary cancer-predisposing syndrome. Also called: Hereditary Cancer Syndrome; Hereditary neoplastic syndrome; Neoplastic Syndromes, Hereditary; Tumor predisposition. Identifiers: Orphanet 140162, MedGen C0027672, MeSH D009386, MONDO:0015356.
Fanconi anemia complementation group O. Also called: RAD51C-Related Fanconi Anemia. Identifiers: Orphanet 84, MedGen C3150653, MONDO:0013248, OMIM 613390.

Allele frequency attached by ClinVar (database versions not stated): gnomAD exomes below 0.00001.
gnomAD v4.1: 2 of 1,612,724 alleles (0.00012%); highest among the groups gnomAD compares: Non-Finnish European, 0.00017%; no homozygotes.

Submissions (2):

Color Diagnostics, LLC DBA Color Health
Classification: Uncertain significance for Hereditary cancer-predisposing syndrome. Last evaluated: 2024-03-06. Review status: criteria provided, single submitter. Criteria: ACMG Guidelines, 2015. Collection method: clinical testing. Allele origin: germline.
Comment: This missense variant replaces isoleucine with phenylalanine at codon 290 of the RAD51C protein. Computational prediction tool suggests that this variant may not impact protein structure and function (internally defined REVEL score threshold <=0.5, PMID: 27666373). Splice site prediction tools suggest that this variant may not impact RNA splicing. To our knowledge, functional studies have not been performed for this variant. This variant has not been reported in individuals affected with hereditary cancer in the literature. This variant has not been identified in the general population by the Genome Aggregation Database (gnomAD). The available evidence is insufficient to determine the role of this variant in disease conclusively. Therefore, this variant is classified as a Variant of Uncertain Significance.

Labcorp Genetics (formerly Invitae), Labcorp
Classification: Uncertain significance for Fanconi anemia complementation group O. Last evaluated: 2021-03-17. Review status: criteria provided, single submitter. Criteria: Invitae Variant Classification Sherloc (09022015). Collection method: clinical testing. Allele origin: germline.
Comment: In summary, the available evidence is currently insufficient to determine the role of this variant in disease. Therefore, it has been classified as a Variant of Uncertain Significance. Algorithms developed to predict the effect of missense changes on protein structure and function output the following: SIFT: "Tolerated"; PolyPhen-2: "Benign"; Align-GVGD: "Class C0". The phenylalanine amino acid residue is found in multiple mammalian species, suggesting that this missense change does not adversely affect protein function. These predictions have not been confirmed by published functional studies and their clinical significance is uncertain. This variant has not been reported in the literature in individuals with RAD51C-related conditions. ClinVar contains an entry for this variant (Variation ID: 924832). This variant is not present in population databases (ExAC no frequency). This sequence change replaces isoleucine with phenylalanine at codon 290 of the RAD51C protein (p.Ile290Phe). The isoleucine residue is moderately conserved and there is a small physicochemical difference between isoleucine and phenylalanine.